The following is an entry in ClinVar:

ClinVar aggregate classification (germline): Uncertain significance (1 of 4 stars; one submission).

Allele frequency attached by ClinVar (database versions not stated): TOPMed below 0.00001; gnomAD 0.00001; ExAC 0.00002.
gnomAD v4.1: 8 of 1,611,020 alleles (0.0005%); highest among the groups gnomAD compares: Admixed American, 0.013%; no homozygotes.

Submission:

Labcorp Genetics (formerly Invitae), Labcorp
Classification: Uncertain significance. Last evaluated: 2024-11-18. Review status: criteria provided, single submitter. Criteria: Invitae Variant Classification Sherloc (09022015). Collection method: clinical testing. Allele origin: germline.
Comment: This sequence change replaces isoleucine, which is neutral and non-polar, with phenylalanine, which is neutral and non-polar, at codon 1833 of the VPS13A protein (p.Ile1833Phe). This variant is present in population databases (rs748362612, gnomAD 0.02%). This variant has not been reported in the literature in individuals affected with VPS13A-related conditions. ClinVar contains an entry for this variant (Variation ID: 2162204). Invitae Evidence Modeling of protein sequence and biophysical properties (such as structural, functional, and spatial information, amino acid conservation, physicochemical variation, residue mobility, and thermodynamic stability) indicates that this missense variant is not expected to disrupt VPS13A protein function with a negative predictive value of 80%. In summary, the available evidence is currently insufficient to determine the role of this variant in disease. Therefore, it has been classified as a Variant of Uncertain Significance.

NM_033305.3(VPS13A):c.5497A>T (p.Ile1833Phe)

Gene: VPS13A (vacuolar protein sorting 13 homolog A; plus strand). Cytogenetic location: 9q21.2.
Variant type: single nucleotide variant.
Coding change: c.5497A>T on transcript NM_033305.3 (MANE Select); coding-DNA position 5497, A replaced by T.
Protein change: p.Ile1833Phe; replaces isoleucine 1833 with phenylalanine.
Molecular consequence: missense variant.
Genome position (GRCh38, 1-based): chr9:77,321,250, A>T. VCF-style: chr9-77321250-A-T. GRCh37 (hg19) VCF-style: chr9-79936166-A-T.
Other names: c.5380A>T, p.Ile1794Phe (NM_001018037.2); c.5497A>T, p.Ile1833Phe (NM_001018038.3, NM_015186.4); short protein forms I1794F, I1833F.
Identifiers: ClinVar variation 2162204 (VCV002162204.3), dbSNP rs748362612, ClinGen allele CA5092800.